The following is an entry in ClinVar:

NM_004260.4(RECQL4):c.1031G>C (p.Arg344Pro)

Gene: RECQL4 (RecQ like helicase 4; minus strand). Cytogenetic location: 8q24.3.
Variant type: single nucleotide variant.
Coding change: c.1031G>C on transcript NM_004260.4 (MANE Select); coding-DNA position 1031, G replaced by C.
Protein change: p.Arg344Pro; replaces arginine 344 with proline.
Molecular consequence: missense variant.
Genome position (GRCh38, 1-based): chr8:144,516,088, C>G on the plus strand (G>C on the coding strand, the complement: RECQL4 is on the minus strand). VCF-style: chr8-144516088-C-G. GRCh37 (hg19) VCF-style: chr8-145741472-C-G.
Other names: short protein forms R344P.
Identifiers: ClinVar variation 1025584 (VCV001025584.3), dbSNP rs745874353, ClinGen allele CA372688252.

ClinVar aggregate classification (germline): Uncertain significance (1 of 4 stars; one submission).

Conditions:
Baller-Gerold syndrome (BGS). Also called: CRANIOSYNOSTOSIS WITH RADIAL DEFECTS. Identifiers: Orphanet 1225, MedGen C0265308, MONDO:0009039, OMIM 218600.

Submission:

Labcorp Genetics (formerly Invitae), Labcorp
Classification: Uncertain significance for Baller-Gerold syndrome. Last evaluated: 2023-09-11. Review status: criteria provided, single submitter. Criteria: Invitae Variant Classification Sherloc (09022015). Collection method: clinical testing. Allele origin: germline.
Comment: In summary, the available evidence is currently insufficient to determine the role of this variant in disease. Therefore, it has been classified as a Variant of Uncertain Significance. Advanced modeling of protein sequence and biophysical properties (such as structural, functional, and spatial information, amino acid conservation, physicochemical variation, residue mobility, and thermodynamic stability) performed at Invitae indicates that this missense variant is expected to disrupt RECQL4 protein function. ClinVar contains an entry for this variant (Variation ID: 1025584). This variant has not been reported in the literature in individuals affected with RECQL4-related conditions. This variant is not present in population databases (gnomAD no frequency). This sequence change replaces arginine, which is basic and polar, with proline, which is neutral and non-polar, at codon 344 of the RECQL4 protein (p.Arg344Pro).